The following is an entry in ClinVar:

NM_001287491.2(TET3):c.4357G>A (p.Gly1453Ser)

Gene: TET3 (tet methylcytosine dioxygenase 3; plus strand). Cytogenetic location: 2p13.1.
Variant type: single nucleotide variant.
Coding change: c.4357G>A on transcript NM_001287491.2 (MANE Select); coding-DNA position 4357, G replaced by A.
Protein change: p.Gly1453Ser; replaces glycine 1453 with serine.
Molecular consequence: missense variant.
Genome position (GRCh38, 1-based): chr2:74,101,145, G>A. VCF-style: chr2-74101145-G-A. GRCh37 (hg19) VCF-style: chr2-74328272-G-A.
Other names: c.4078G>A, p.Gly1360Ser (NM_001366022.1); short protein forms G1360S, G1453S.
Identifiers: ClinVar variation 3364454 (VCV003364454.1).

ClinVar aggregate classification (germline): Uncertain significance (1 of 4 stars; one submission).

gnomAD v4.1: 7 of 1,613,840 alleles (0.00043%); highest among the groups gnomAD compares: South Asian, 0.0033%; no homozygotes.

Submission:

GeneDx
Classification: Uncertain significance. Last evaluated: 2023-11-19. Review status: criteria provided, single submitter. Criteria: GeneDx Variant Classification Process June 2021. Collection method: clinical testing. Allele origin: germline. Affected: yes.
Comment: In silico analysis supports that this missense variant does not alter protein structure/function; Has not been previously published as pathogenic or benign to our knowledge